The following is an entry in ClinVar:

NM_015175.3(NBEAL2):c.7937T>C (p.Leu2646Pro)

Gene: NBEAL2 (neurobeachin like 2; plus strand). Cytogenetic location: 3p21.31.
Variant type: single nucleotide variant.
Coding change: c.7937T>C on transcript NM_015175.3 (MANE Select); coding-DNA position 7937, T replaced by C.
Protein change: p.Leu2646Pro; replaces leucine 2646 with proline.
Molecular consequence: missense variant.
Genome position (GRCh38, 1-based): chr3:47,008,578, T>C. VCF-style: chr3-47008578-T-C. GRCh37 (hg19) VCF-style: chr3-47050068-T-C.
Other names: c.7835T>C, p.Leu2612Pro (NM_001365116.2); short protein forms L2612P, L2646P.
Identifiers: ClinVar variation 982281 (VCV000982281.1), dbSNP rs2037641398, ClinGen allele CA352550195.

ClinVar aggregate classification (germline): Uncertain significance (1 of 4 stars; one submission).

Conditions:
Gray platelet syndrome (GPS). Also called: BLEEDING DISORDER, PLATELET-TYPE, 4. Identifiers: Orphanet 721, MedGen C0272302, MONDO:0007686, OMIM 139090.

Submission:

NIHR Bioresource Rare Diseases, University of Cambridge
Classification: Uncertain significance for Gray platelet syndrome. Last evaluated: 2020-03-01. Review status: criteria provided, single submitter. Criteria: ACMG Guidelines, 2015. Collection method: research. Allele origin: unknown. Inheritance: Autosomal recessive inheritance. Affected: yes. Observed: 1 compound heterozygote.
Comment: ACMG criteria: PM2, PP3, PP4

Literature cited by the submitters: PubMed 32693407.